The following is an entry in ClinVar:

NM_206926.2(SELENON):c.1472T>A (p.Met491Lys)

Gene: SELENON (selenoprotein N; plus strand). Cytogenetic location: 1p36.11.
Variant type: single nucleotide variant.
Coding change: c.1472T>A on transcript NM_206926.2 (MANE Select); coding-DNA position 1472, T replaced by A.
Protein change: p.Met491Lys; replaces methionine 491 with lysine.
Molecular consequence: missense variant.
Genome position (GRCh38, 1-based): chr1:25,814,150, T>A. VCF-style: chr1-25814150-T-A. GRCh37 (hg19) VCF-style: chr1-26140641-T-A.
Other names: c.1574T>A, p.Met525Lys (NM_020451.3); short protein forms M491K, M525K.
Identifiers: ClinVar variation 1207112 (VCV001207112.3), dbSNP rs761631813, ClinGen allele CA339120009.

ClinVar aggregate classification (germline): Likely pathogenic (1 of 4 stars; one submission).

Submission:

GeneDx
Classification: Likely pathogenic. Last evaluated: 2020-06-29. Review status: criteria provided, single submitter. Criteria: GeneDx Variant Classification Process June 2021. Collection method: clinical testing. Allele origin: germline. Affected: yes.
Comment: Not observed in large population cohorts (Lek et al., 2016); In silico analysis supports that this missense variant has a deleterious effect on protein structure/function; Has not been previously published as pathogenic or benign to our knowledge